The following is an entry in ClinVar:

ClinVar aggregate classification (germline): Benign. Review status: criteria provided, multiple submitters, no conflicts (2 of 4 stars). 3 submissions from 3 submitters: Benign (3). Last evaluated 2019-09-04.

Conditions:
Hyaline fibromatosis syndrome (HFS). Also called: Hyalinosis, Inherited Systemic; HYALINOSIS, SYSTEMIC. Identifiers: Orphanet 2028, Orphanet 498474, MedGen C5574677, MONDO:0009229, OMIM 228600.

Allele frequency attached by ClinVar (database versions not stated): gnomAD 0.18441 and 0.18871; TOPMed 0.18480; 1000 Genomes Project 30x 0.22283; 1000 Genomes Project 0.22484.
gnomAD v4.1: 60,279 of 375,146 alleles (16%); highest among the groups gnomAD compares: South Asian, 33%; 5,521 homozygotes.

Submissions (3):

GeneDx
Classification: Benign. Last evaluated: 2019-09-04. Review status: criteria provided, single submitter. Criteria: GeneDx Variant Classification Process June 2021. Collection method: clinical testing. Allele origin: germline. Affected: yes.

Illumina Laboratory Services, Illumina
Classification: Benign for Hyaline fibromatosis syndrome. Last evaluated: 2018-01-13. Review status: criteria provided, single submitter. Criteria: ICSL Variant Classification Criteria 13 December 2019. Collection method: clinical testing. Allele origin: germline.
Comment: This variant was observed in the ICSL laboratory as part of a predisposition screen in an ostensibly healthy population. It had not been previously curated by ICSL or reported in the Human Gene Mutation Database (HGMD: prior to June 1st, 2018), and was therefore a candidate for classification through an automated scoring system. Utilizing variant allele frequency, disease prevalence and penetrance estimates, and inheritance mode, an automated score was calculated to assess if this variant is too frequent to cause the disease. Based on the score and internal cut-off values, a variant classified as benign is not then subjected to further curation. The score for this variant resulted in a classification of benign for this disease.

Breakthrough Genomics
Classification: Benign. Review status: criteria provided, single submitter. Criteria: ACMG Guidelines, 2015. Collection method: not provided. Allele origin: germline. Inheritance: Autosomal recessive inheritance. Affected: yes.

NM_058172.6(ANTXR2):c.-319C>G

Genes: ANTXR2 (ANTXR cell adhesion molecule 2; minus strand), LOC129992738 (ATAC-STARR-seq lymphoblastoid active region 21652; plus strand). Cytogenetic location: 4q21.21.
Variant type: single nucleotide variant.
Coding change: c.-319C>G on transcript NM_058172.6 (MANE Select); 319 bases upstream of the start codon, C replaced by G.
Molecular consequence: 5 prime UTR variant. On other transcripts: intron variant (1).
Genome position (GRCh38, 1-based): chr4:80,072,879, G>C on the plus strand (C>G on the coding strand, the complement: ANTXR2 is on the minus strand). VCF-style: chr4-80072879-G-C. GRCh37 (hg19) VCF-style: chr4-80994033-G-C.
Other names: c.-319C>G (NM_001145794.2); c.-250C>G (NM_001286781.2); c.-80+516C>G (NM_001286780.2).
Identifiers: ClinVar variation 349894 (VCV000349894.7), dbSNP rs11557908, ClinGen allele CA10619399.